The following is an entry in ClinVar:

NM_003982.4(SLC7A7):c.1210C>T (p.Arg404Cys)

Gene: SLC7A7 (solute carrier family 7 member 7; minus strand). Cytogenetic location: 14q11.2.
Variant type: single nucleotide variant.
Coding change: c.1210C>T on transcript NM_003982.4 (MANE Select); coding-DNA position 1210, C replaced by T.
Protein change: p.Arg404Cys; replaces arginine 404 with cysteine.
Molecular consequence: missense variant.
Genome position (GRCh38, 1-based): chr14:22,774,389, G>A on the plus strand (C>T on the coding strand, the complement: SLC7A7 is on the minus strand). VCF-style: chr14-22774389-G-A. GRCh37 (hg19) VCF-style: chr14-23243598-G-A.
Other names: c.1210C>T, p.Arg404Cys (NM_001126105.3, NM_001126106.4); short protein forms R404C.
Identifiers: ClinVar variation 1431699 (VCV001431699.5), dbSNP rs763715975, ClinGen allele CA7104464.

ClinVar aggregate classification (germline): Uncertain significance (1 of 4 stars; one submission).

Conditions:
Lysinuric protein intolerance (LPI). Identifiers: Orphanet 470, MedGen C0268647, MONDO:0009109, OMIM 222700.

Allele frequency attached by ClinVar (database versions not stated): ExAC 0.00001; gnomAD 0.00001 and 0.00002; gnomAD exomes 0.00001 and 0.00002; TOPMed 0.00002.

Submission:

Labcorp Genetics (formerly Invitae), Labcorp
Classification: Uncertain significance for Lysinuric protein intolerance. Last evaluated: 2022-07-19. Review status: criteria provided, single submitter. Criteria: Invitae Variant Classification Sherloc (09022015). Collection method: clinical testing. Allele origin: germline.
Comment: This sequence change replaces arginine, which is basic and polar, with cysteine, which is neutral and slightly polar, at codon 404 of the SLC7A7 protein (p.Arg404Cys). This variant is present in population databases (rs763715975, gnomAD 0.0009%). This variant has not been reported in the literature in individuals affected with SLC7A7-related conditions. ClinVar contains an entry for this variant (Variation ID: 1431699). Algorithms developed to predict the effect of missense changes on protein structure and function (SIFT, PolyPhen-2, Align-GVGD) all suggest that this variant is likely to be disruptive. In summary, the available evidence is currently insufficient to determine the role of this variant in disease. Therefore, it has been classified as a Variant of Uncertain Significance.